The following is an entry in ClinVar:

ClinVar aggregate classification (germline): Uncertain significance (1 of 4 stars; one submission).

Conditions:
WFS1-related disorder. Identifiers: MedGen CN379391, MONDO:0700293.

Submission:

PreventionGenetics, part of Exact Sciences
Classification: Uncertain significance for WFS1-related condition. Last evaluated: 2026-04-21. Review status: criteria provided, single submitter. Criteria: ACMG Guidelines, 2015. Collection method: clinical testing. Allele origin: germline.
Comment: The WFS1 c.2592G>C variant is predicted to result in the amino acid substitution p.Glu864Asp. To our knowledge, this variant has not been reported in the literature or in a large population database (gnomAD), indicating this variant is rare. At this time, the clinical significance of this variant is uncertain due to the absence of conclusive functional and genetic evidence.

NM_006005.3(WFS1):c.2592G>C (p.Glu864Asp)

Gene: WFS1 (wolframin ER transmembrane glycoprotein; plus strand). Cytogenetic location: 4p16.1.
Variant type: single nucleotide variant.
Coding change: c.2592G>C on transcript NM_006005.3 (MANE Select); coding-DNA position 2592, G replaced by C.
Protein change: p.Glu864Asp; replaces glutamic acid 864 with aspartic acid.
Molecular consequence: missense variant.
Genome position (GRCh38, 1-based): chr4:6,302,387, G>C. VCF-style: chr4-6302387-G-C. GRCh37 (hg19) VCF-style: chr4-6304114-G-C.
Other names: c.2592G>C, p.Glu864Asp (NM_001145853.1); short protein forms E864D.
Identifiers: ClinVar variation 4991817 (VCV004991817.1).
Genomic context (GRCh38, chr4:6,302,387, plus strand): 5'-CATCAGCTGCCTCAACTGCATGGCCCAGCTCTCACCCACCAGGCGGCACGTGAAGATCGA[G>C]CACGACTGGCGCAGCACCGTGCATGGCGCCGTGAAGTTCGCCTTCGACTTCTTTTTCTTC-3'
Protein context (NP_005996.2, residues 854-874): LSPTRRHVKI[Glu864Asp]HDWRSTVHGA